The following is an entry in ClinVar:

ClinVar aggregate classification (germline): Uncertain significance (1 of 4 stars; one submission).

Allele frequency attached by ClinVar (database versions not stated): ExAC 0.00001; gnomAD 0.00001; gnomAD exomes 0.00001; TOPMed 0.00001.
gnomAD v4.1: 4 of 1,614,004 alleles (0.00025%); highest among the groups gnomAD compares: Admixed American, 0.0067%; no homozygotes.

Submission:

Labcorp Genetics (formerly Invitae), Labcorp
Classification: Uncertain significance. Last evaluated: 2024-06-25. Review status: criteria provided, single submitter. Criteria: Invitae Variant Classification Sherloc (09022015). Collection method: clinical testing. Allele origin: germline.
Comment: This sequence change replaces leucine, which is neutral and non-polar, with arginine, which is basic and polar, at codon 573 of the ANLN protein (p.Leu573Arg). This variant is present in population databases (rs775708670, gnomAD 0.006%). This variant has not been reported in the literature in individuals affected with ANLN-related conditions. ClinVar contains an entry for this variant (Variation ID: 1359784). Advanced modeling of protein sequence and biophysical properties (such as structural, functional, and spatial information, amino acid conservation, physicochemical variation, residue mobility, and thermodynamic stability) performed at Invitae indicates that this missense variant is not expected to disrupt ANLN protein function with a negative predictive value of 80%. In summary, the available evidence is currently insufficient to determine the role of this variant in disease. Therefore, it has been classified as a Variant of Uncertain Significance.

NM_018685.5(ANLN):c.1718T>G (p.Leu573Arg)

Gene: ANLN (anillin, actin binding protein; plus strand). Cytogenetic location: 7p14.2.
Variant type: single nucleotide variant.
Coding change: c.1718T>G on transcript NM_018685.5 (MANE Select); coding-DNA position 1718, T replaced by G.
Protein change: p.Leu573Arg; replaces leucine 573 with arginine.
Molecular consequence: missense variant.
Genome position (GRCh38, 1-based): chr7:36,419,328, T>G. VCF-style: chr7-36419328-T-G. GRCh37 (hg19) VCF-style: chr7-36458937-T-G.
Other names: c.1607T>G, p.Leu536Arg (NM_001284301.3); c.1604T>G, p.Leu535Arg (NM_001284302.3); short protein forms L535R, L573R, L536R.
Identifiers: ClinVar variation 1359784 (VCV001359784.8), dbSNP rs775708670, ClinGen allele CA4219687.